The following is an entry in ClinVar:

ClinVar aggregate classification (germline): Uncertain significance (1 of 4 stars; one submission).

Conditions:
Malignant hyperthermia, susceptibility to, 5 (MHS5). Also called: CACNA1S-Related Malignant Hyperthermia Susceptibility. Identifiers: Orphanet 423, MedGen C1866077, MONDO:0011163, OMIM 601887.

gnomAD v4.1: 1 of 1,614,214 alleles (0.000062%); highest among the groups gnomAD compares: Non-Finnish European, 0.000085%; no homozygotes.

Submission:

Color Diagnostics, LLC DBA Color Health
Classification: Uncertain significance for Malignant hyperthermia, susceptibility to, 5. Last evaluated: 2025-07-18. Review status: criteria provided, single submitter. Criteria: ACMG Guidelines, 2015. Collection method: clinical testing. Allele origin: germline.
Comment: This variant changes 1 nucleotide in exon 3 of the CACNA1S gene, creating a premature translation stop signal. This variant is expected to result in an absent or non-functional protein product. To our knowledge, this variant has not been reported in individuals affected with CACNA1S-related disorders in the literature. This variant has not been identified in the general population by the Genome Aggregation Database (gnomAD). Loss of CACNA1S function due to truncation variants is not an established disease mechanism for autosomal dominant malignant hyperthermia, although it is associated with other phenotype(s) (ClinVar). Due to insufficient evidence, this variant is classified as a Variant of Uncertain Significance for autosomal dominant malignant hyperthermia.

NM_000069.3(CACNA1S):c.366G>A (p.Trp122Ter)

Gene: CACNA1S (calcium voltage-gated channel subunit alpha1 S; minus strand). Cytogenetic location: 1q32.1.
Variant type: single nucleotide variant.
Coding change: c.366G>A on transcript NM_000069.3 (MANE Select); coding-DNA position 366, G replaced by A.
Protein change: p.Trp122Ter; replaces tryptophan 122 with a stop codon.
Molecular consequence: nonsense.
Genome position (GRCh38, 1-based): chr1:201,093,914, C>T on the plus strand (G>A on the coding strand, the complement: CACNA1S is on the minus strand). VCF-style: chr1-201093914-C-T. GRCh37 (hg19) VCF-style: chr1-201063042-C-T.
Other names: short protein forms W122*.
Identifiers: ClinVar variation 4757730 (VCV004757730.1).